The following is an entry in ClinVar:

NM_033305.3(VPS13A):c.1438A>G (p.Thr480Ala)

Gene: VPS13A (vacuolar protein sorting 13 homolog A; plus strand). Cytogenetic location: 9q21.2.
Variant type: single nucleotide variant.
Coding change: c.1438A>G on transcript NM_033305.3 (MANE Select); coding-DNA position 1438, A replaced by G.
Protein change: p.Thr480Ala; replaces threonine 480 with alanine.
Molecular consequence: missense variant.
Genome position (GRCh38, 1-based): chr9:77,227,471, A>G. VCF-style: chr9-77227471-A-G. GRCh37 (hg19) VCF-style: chr9-79842387-A-G.
Other names: c.1438A>G, p.Thr480Ala (NM_001018037.2, NM_001018038.3, NM_015186.4); c.1438A>G (NM_033305.2); short protein forms T480A.
Identifiers: ClinVar variation 2190474 (VCV002190474.3), dbSNP rs748659046, ClinGen allele CA5091674.

ClinVar aggregate classification (germline): Uncertain significance. Review status: criteria provided, multiple submitters, no conflicts (2 of 4 stars). 2 submissions from 2 submitters: Uncertain significance (2). Last evaluated 2024-12-15.

Allele frequency attached by ClinVar (database versions not stated): TOPMed 0.00005; gnomAD exomes 0.00003; ExAC 0.00006; gnomAD 0.00005.
gnomAD v4.1: 57 of 1,611,864 alleles (0.0035%); highest among the groups gnomAD compares: East Asian, 0.11%; no homozygotes.

Submissions (2):

GeneDx
Classification: Uncertain significance. Last evaluated: 2024-12-15. Review status: criteria provided, single submitter. Criteria: GeneDx Variant Classification Process June 2021. Collection method: clinical testing. Allele origin: germline. Affected: yes.
Comment: Reported previously in the heterozygous state in a patient with a mood/psychiatric disorder; however, clinical and segregation information was not provided (PMID: 21145924); In silico analysis indicates that this missense variant does not alter protein structure/function; This variant is associated with the following publications: (PMID: 21145924)

Labcorp Genetics (formerly Invitae), Labcorp
Classification: Uncertain significance. Last evaluated: 2024-11-02. Review status: criteria provided, single submitter. Criteria: Invitae Variant Classification Sherloc (09022015). Collection method: clinical testing. Allele origin: germline.
Comment: This sequence change replaces threonine, which is neutral and polar, with alanine, which is neutral and non-polar, at codon 480 of the VPS13A protein (p.Thr480Ala). This variant is present in population databases (rs748659046, gnomAD 0.08%). This variant has not been reported in the literature in individuals affected with VPS13A-related conditions. ClinVar contains an entry for this variant (Variation ID: 2190474). Invitae Evidence Modeling of protein sequence and biophysical properties (such as structural, functional, and spatial information, amino acid conservation, physicochemical variation, residue mobility, and thermodynamic stability) indicates that this missense variant is not expected to disrupt VPS13A protein function with a negative predictive value of 80%. In summary, the available evidence is currently insufficient to determine the role of this variant in disease. Therefore, it has been classified as a Variant of Uncertain Significance.